The following is an entry in ClinVar:

ClinVar aggregate classification (germline): Uncertain significance (1 of 4 stars; one submission).

Conditions:
Aortic valve disease 2 (AOVD2). Identifiers: MedGen C3542024, MONDO:0013902, OMIM 614823.

Submission:

Labcorp Genetics (formerly Invitae), Labcorp
Classification: Uncertain significance for Aortic valve disease 2. Last evaluated: 2024-05-29. Review status: criteria provided, single submitter. Criteria: Invitae Variant Classification Sherloc (09022015). Collection method: clinical testing. Allele origin: germline.
Comment: This sequence change replaces histidine, which is basic and polar, with glutamine, which is neutral and polar, at codon 68 of the TBX5 protein (p.His68Gln). This variant is not present in population databases (gnomAD no frequency). This variant has not been reported in the literature in individuals affected with TBX5-related conditions. Advanced modeling of protein sequence and biophysical properties (such as structural, functional, and spatial information, amino acid conservation, physicochemical variation, residue mobility, and thermodynamic stability) performed at Invitae indicates that this missense variant is not expected to disrupt TBX5 protein function with a negative predictive value of 80%. In summary, the available evidence is currently insufficient to determine the role of this variant in disease. Therefore, it has been classified as a Variant of Uncertain Significance.

NM_181486.4(TBX5):c.204C>A (p.His68Gln)

Gene: TBX5 (T-box transcription factor 5; minus strand). Cytogenetic location: 12q24.21.
Variant type: single nucleotide variant.
Coding change: c.204C>A on transcript NM_181486.4 (MANE Select); coding-DNA position 204, C replaced by A.
Protein change: p.His68Gln; replaces histidine 68 with glutamine.
Molecular consequence: missense variant.
Genome position (GRCh38, 1-based): chr12:114,401,864, G>T on the plus strand (C>A on the coding strand, the complement: TBX5 is on the minus strand). VCF-style: chr12-114401864-G-T. GRCh37 (hg19) VCF-style: chr12-114839669-G-T.
Other names: c.204C>A, p.His68Gln (NM_000192.3); c.54C>A, p.His18Gln (NM_080717.4); short protein forms H18Q, H68Q.
Identifiers: ClinVar variation 3650369 (VCV003650369.2).